The following is an entry in ClinVar:

NM_014991.6(WDFY3):c.8866G>C (p.Gly2956Arg)

Gene: WDFY3 (WD repeat and FYVE domain containing 3; minus strand). Cytogenetic location: 4q21.23.
Variant type: single nucleotide variant.
Coding change: c.8866G>C on transcript NM_014991.6 (MANE Select); coding-DNA position 8866, G replaced by C.
Protein change: p.Gly2956Arg; replaces glycine 2956 with arginine.
Molecular consequence: missense variant.
Genome position (GRCh38, 1-based): chr4:84,696,005, C>G on the plus strand (G>C on the coding strand, the complement: WDFY3 is on the minus strand). VCF-style: chr4-84696005-C-G. GRCh37 (hg19) VCF-style: chr4-85617158-C-G.
Other names: short protein forms G2956R.
Identifiers: ClinVar variation 3365983 (VCV003365983.1).
Genomic context (GRCh38, chr4:84,696,005, plus strand): 5'-AATGACAAGAAAAAAACATCCATACCTGTTTAGGGATCTGACCGAAGTTATTAATGAACC[C>G]AATTGTGGCTGTCTCCTTTAGTGGGTCATTGATGTTGTAGATATCCACTTGACCCTCATA-3'
Protein context (NP_055806.2, residues 2946-2966): NDPLKETATI[Gly2956Arg]FINNFGQIPK

ClinVar aggregate classification (germline): Uncertain significance (1 of 4 stars; one submission).

gnomAD v4.1: 11 of 1,613,976 alleles (0.00068%); highest among the groups gnomAD compares: Non-Finnish European, 0.00093%; no homozygotes.

Submission:

GeneDx
Classification: Uncertain significance. Last evaluated: 2023-10-10. Review status: criteria provided, single submitter. Criteria: GeneDx Variant Classification Process June 2021. Collection method: clinical testing. Allele origin: germline. Affected: yes.
Comment: Not observed at significant frequency in large population cohorts (gnomAD); In silico analysis supports that this missense variant has a deleterious effect on protein structure/function; Has not been previously published as pathogenic or benign to our knowledge